The following is an entry in ClinVar:

NM_006267.5(RANBP2):c.1787G>A (p.Arg596Gln)

Gene: RANBP2 (RAN binding protein 2; plus strand). Cytogenetic location: 2q13.
Variant type: single nucleotide variant.
Coding change: c.1787G>A on transcript NM_006267.5 (MANE Select); coding-DNA position 1787, G replaced by A.
Protein change: p.Arg596Gln; replaces arginine 596 with glutamine.
Molecular consequence: missense variant.
Genome position (GRCh38, 1-based): chr2:108,753,029, G>A. VCF-style: chr2-108753029-G-A. GRCh37 (hg19) VCF-style: chr2-109369485-G-A.
Other names: short protein forms R596Q.
Identifiers: ClinVar variation 537218 (VCV000537218.4), dbSNP rs753106584, ClinGen allele CA1822448.

ClinVar aggregate classification (germline): Uncertain significance (1 of 4 stars; one submission).

Conditions:
Familial acute necrotizing encephalopathy (IIAE3). Also called: Susceptibility to Acute Necrotizing Encephalopathy 1; ENCEPHALOPATHY, ACUTE, INFECTION-INDUCED, SUSCEPTIBILITY TO, 3. Identifiers: Orphanet 88619, MedGen C2675556, MONDO:0011953, OMIM 608033.

Allele frequency attached by ClinVar (database versions not stated): gnomAD 0.00001.

Submission:

Labcorp Genetics (formerly Invitae), Labcorp
Classification: Uncertain significance for Familial acute necrotizing encephalopathy. Last evaluated: 2024-10-16. Review status: criteria provided, single submitter. Criteria: Invitae Variant Classification Sherloc (09022015). Collection method: clinical testing. Allele origin: germline.
Comment: This sequence change replaces arginine, which is basic and polar, with glutamine, which is neutral and polar, at codon 596 of the RANBP2 protein (p.Arg596Gln). This variant is present in population databases (rs753106584, gnomAD 0.004%). This variant has not been reported in the literature in individuals affected with RANBP2-related conditions. ClinVar contains an entry for this variant (Variation ID: 537218). An algorithm developed to predict the effect of missense changes on protein structure and function (PolyPhen-2) suggests that this variant is likely to be tolerated. In summary, the available evidence is currently insufficient to determine the role of this variant in disease. Therefore, it has been classified as a Variant of Uncertain Significance.